The following is an entry in ClinVar:

ClinVar aggregate classification (germline): Uncertain significance. Review status: criteria provided, multiple submitters, no conflicts (2 of 4 stars). 2 submissions from 2 submitters: Uncertain significance (2). Last evaluated 2025-11-11.

Conditions:
Inborn genetic diseases. Identifiers: MedGen C0950123, MeSH D030342.
T-cell immunodeficiency, congenital alopecia, and nail dystrophy. Also called: Congenital alopecia and nail dystrophy associated with severe functional T-cell immunodeficiency; Pignata Guarino syndrome. Identifiers: Orphanet 169095, MedGen C1866426, MONDO:0011132, OMIM 601705.

Submissions (2):

Labcorp Genetics (formerly Invitae), Labcorp
Classification: Uncertain significance for T-cell immunodeficiency, congenital alopecia, and nail dystrophy. Last evaluated: 2025-11-11. Review status: criteria provided, single submitter. Criteria: Invitae Variant Classification Sherloc (09022015). Collection method: clinical testing. Allele origin: germline.
Comment: This sequence change replaces glutamine, which is neutral and polar, with histidine, which is basic and polar, at codon 194 of the FOXN1 protein (p.Gln194His). The frequency data for this variant in the population databases is considered unreliable, as metrics indicate poor data quality at this position in the gnomAD database. This variant has not been reported in the literature in individuals affected with FOXN1-related conditions. ClinVar contains an entry for this variant (Variation ID: 3671013). Invitae Evidence Modeling of protein sequence and biophysical properties (such as structural, functional, and spatial information, amino acid conservation, physicochemical variation, residue mobility, and thermodynamic stability) indicates that this missense variant is not expected to disrupt FOXN1 protein function with a negative predictive value of 80%. In summary, the available evidence is currently insufficient to determine the role of this variant in disease. Therefore, it has been classified as a Variant of Uncertain Significance.

Ambry Genetics
Classification: Uncertain significance for Inborn genetic diseases. Last evaluated: 2025-01-31. Review status: criteria provided, single submitter. Criteria: Ambry Variant Classification Scheme 2023. Collection method: clinical testing. Allele origin: germline.

NM_001369369.1(FOXN1):c.582A>T (p.Gln194His)

Gene: FOXN1 (forkhead box N1; plus strand). Cytogenetic location: 17q11.2.
Variant type: single nucleotide variant.
Coding change: c.582A>T on transcript NM_001369369.1 (MANE Select); coding-DNA position 582, A replaced by T.
Protein change: p.Gln194His; replaces glutamine 194 with histidine.
Molecular consequence: missense variant.
Genome position (GRCh38, 1-based): chr17:28,524,961, A>T. VCF-style: chr17-28524961-A-T. GRCh37 (hg19) VCF-style: chr17-26851979-A-T.
Other names: c.582A>T, p.Gln194His (NM_003593.3); short protein forms Q194H.
Identifiers: ClinVar variation 3671013 (VCV003671013.3).
Genomic context (GRCh38, chr17:28,524,961, plus strand): 5'-CTTCTCAGCAGAGGCCTGGTGTAACGGGCTCCCCTACCCCAGCCAGGAGCATGGCCCCCA[A>T]GTCCTGGTGAGTACTAGTGGCCAGCGAGTGTCCCATCTTCCCACTGTCCCAGTTCCTAGC-3'
Protein context (NP_001356298.1, residues 184-204): LPYPSQEHGP[Gln194His]VLGSEVKVKP